The following is an entry in ClinVar:

NM_021930.6(RINT1):c.1146G>C (p.Glu382Asp)

Gene: RINT1 (RAD50 interactor 1; plus strand). Cytogenetic location: 7q22.3.
Variant type: single nucleotide variant.
Coding change: c.1146G>C on transcript NM_021930.6 (MANE Select); coding-DNA position 1146, G replaced by C.
Protein change: p.Glu382Asp; replaces glutamic acid 382 with aspartic acid.
Molecular consequence: missense variant. On other transcripts: non-coding transcript variant (1).
Genome position (GRCh38, 1-based): chr7:105,550,299, G>C. VCF-style: chr7-105550299-G-C. GRCh37 (hg19) VCF-style: chr7-105190746-G-C.
Other names: c.912G>C, p.Glu304Asp (NM_001346599.2); c.123G>C, p.Glu41Asp (NM_001346600.2, NM_001346603.2); c.222G>C, p.Glu74Asp (NM_001346601.2); short protein forms E304D, E41D, E74D, E382D.
Identifiers: ClinVar variation 5028290 (VCV005028290.1).

ClinVar aggregate classification (germline): Uncertain significance (1 of 4 stars; one submission).

Submission:

Ambry Genetics
Classification: Uncertain significance. Last evaluated: 2026-08-07. Review status: criteria provided, single submitter. Criteria: Ambry Variant Classification Scheme 2023. Collection method: clinical testing. Allele origin: germline.
Comment: The p.E382D variant (also known as c.1146G>C), located in coding exon 9 of the RINT1 gene, results from a G to C substitution at nucleotide position 1146. The glutamic acid at codon 382 is replaced by aspartic acid, an amino acid with highly similar properties. This amino acid position is conserved. In addition, this alteration is predicted to be tolerated by in silico analysis. Based on the available evidence, the clinical significance of this variant remains unclear.